The following is an entry in ClinVar:

ClinVar aggregate classification (germline): Uncertain significance (1 of 4 stars; one submission).

Conditions:
Intellectual developmental disorder, autosomal dominant 1. Also called: Intellectual disability, autosomal dominant 1; MBD5 Haploinsufficiency. Identifiers: Orphanet 228402, MedGen C1969562, MONDO:0007974, OMIM 156200.

Submission:

Labcorp Genetics (formerly Invitae), Labcorp
Classification: Uncertain significance for Intellectual developmental disorder, autosomal dominant 1. Last evaluated: 2019-03-21. Review status: criteria provided, single submitter. Criteria: Invitae Variant Classification Sherloc (09022015). Collection method: clinical testing. Allele origin: germline.
Comment: In summary, the available evidence is currently insufficient to determine the role of this variant in disease. Therefore, it has been classified as a Variant of Uncertain Significance. Algorithms developed to predict the effect of missense changes on protein structure and function are either unavailable or do not agree on the potential impact of this missense change (SIFT: "Deleterious"; PolyPhen-2: "Not Available"; Align-GVGD: "Class C15"). This variant has not been reported in the literature in individuals with MBD5-related conditions. This variant is not present in population databases (ExAC no frequency). This sequence change replaces glycine with arginine at codon 10 of the MBD5 protein (p.Gly10Arg). The glycine residue is highly conserved and there is a moderate physicochemical difference between glycine and arginine.

NM_001378120.1(MBD5):c.28G>A (p.Gly10Arg)

Gene: MBD5 (methyl-CpG binding domain protein 5; plus strand). Cytogenetic location: 2q23.1.
Variant type: single nucleotide variant.
Coding change: c.28G>A on transcript NM_001378120.1 (MANE Select); coding-DNA position 28, G replaced by A.
Protein change: p.Gly10Arg; replaces glycine 10 with arginine.
Molecular consequence: missense variant.
Genome position (GRCh38, 1-based): chr2:148,458,786, G>A. VCF-style: chr2-148458786-G-A. GRCh37 (hg19) VCF-style: chr2-149216355-G-A.
Other names: c.28G>A, p.Gly10Arg (NM_018328.5); short protein forms G10R.
Identifiers: ClinVar variation 859055 (VCV000859055.10), dbSNP rs1706964102, ClinGen allele CA348715347.